The following is an entry in ClinVar:

ClinVar aggregate classification (germline): Uncertain significance (1 of 4 stars; one submission).

Conditions:
Hereditary cancer-predisposing syndrome. Also called: Neoplastic Syndromes, Hereditary; Tumor predisposition; Hereditary Cancer Syndrome; Hereditary neoplastic syndrome. Identifiers: Orphanet 140162, MedGen C0027672, MeSH D009386, MONDO:0015356.

Submission:

Ambry Genetics
Classification: Uncertain significance for Hereditary cancer-predisposing syndrome. Last evaluated: 2025-12-10. Review status: criteria provided, single submitter. Criteria: Ambry Variant Classification Scheme 2023. Collection method: clinical testing. Allele origin: germline.
Comment: The p.S1669C variant (also known as c.5006C>G), located in coding exon 38 of the POLE gene, results from a C to G substitution at nucleotide position 5006. The serine at codon 1669 is replaced by cysteine, an amino acid with dissimilar properties. This amino acid position is conserved. In addition, the in silico prediction for this alteration is inconclusive. Based on the available evidence, the clinical significance of this variant remains unclear.

NM_006231.4(POLE):c.5006C>G (p.Ser1669Cys)

Gene: POLE (DNA polymerase epsilon, catalytic subunit; minus strand). Cytogenetic location: 12q24.33.
Variant type: single nucleotide variant.
Coding change: c.5006C>G on transcript NM_006231.4 (MANE Select); coding-DNA position 5006, C replaced by G.
Protein change: p.Ser1669Cys; replaces serine 1669 with cysteine.
Molecular consequence: missense variant.
Genome position (GRCh38, 1-based): chr12:132,642,344, G>C on the plus strand (C>G on the coding strand, the complement: POLE is on the minus strand). VCF-style: chr12-132642344-G-C. GRCh37 (hg19) VCF-style: chr12-133218930-G-C.
Other names: short protein forms S1669C.
Identifiers: ClinVar variation 4672724 (VCV004672724.1).